The following is an entry in ClinVar:

ClinVar aggregate classification (germline): Likely benign. Review status: criteria provided, multiple submitters, no conflicts (2 of 4 stars). 2 submissions from 2 submitters: Likely benign (2). Last evaluated 2025-09-19.

Conditions:
Majeed syndrome (MJDS). Also called: LPIN2-Related Majeed Syndrome; CHRONIC RECURRENT MULTIFOCAL OSTEOMYELITIS 1, WITH CONGENITAL DYSERYTHROPOIETIC ANEMIA, WITH OR WITHOUT NEUTROPHILIC DERMATOSIS. Identifiers: Orphanet 77297, MedGen C1864997, MONDO:0012316, OMIM 609628.

Allele frequency attached by ClinVar (database versions not stated): gnomAD 0.00002 and 0.00003; gnomAD exomes 0.00002; TOPMed 0.00002; ExAC 0.00003; ESP Exome Variant Server 0.00015.
gnomAD v4.1: 27 of 1,613,718 alleles (0.0017%); highest among the groups gnomAD compares: East Asian, 0.0067%; no homozygotes.

Submissions (2):

Labcorp Genetics (formerly Invitae), Labcorp
Classification: Likely benign for Majeed syndrome. Last evaluated: 2025-09-19. Review status: criteria provided, single submitter. Criteria: Invitae Variant Classification Sherloc (09022015). Collection method: clinical testing. Allele origin: germline.

ARUP Laboratories, Molecular Genetics and Genomics, ARUP Laboratories
Classification: Likely benign. Last evaluated: 2018-03-09. Review status: criteria provided, single submitter. Criteria: ARUP Molecular Germline Variant Investigation Process. Collection method: clinical testing. Allele origin: germline.
Comment: The LPIN2 c.1362C>T; p.Ser454Ser variant (rs371484024), to our knowledge, is not reported in the medical literature or gene specific variant databases. This variant is found in the general population 6/245430 alleles in the Genome Aggregation Database. This is a synonymous change, the nucleotide is not conserved, and computational algorithms do not predict that this variant impacts splicing (Alamut v.2.10). Considering available information, this variant is classified as likely benign.

NM_001375808.2(LPIN2):c.1362C>T (p.Ser454=)

Gene: LPIN2 (lipin 2; minus strand). Cytogenetic location: 18p11.31.
Variant type: single nucleotide variant.
Coding change: c.1362C>T on transcript NM_001375808.2 (MANE Select); coding-DNA position 1362, C replaced by T.
Protein change: p.Ser454=; no amino-acid change (serine 454 retained).
Molecular consequence: synonymous variant.
Genome position (GRCh38, 1-based): chr18:2,931,350, G>A on the plus strand (C>T on the coding strand, the complement: LPIN2 is on the minus strand). VCF-style: chr18-2931350-G-A. GRCh37 (hg19) VCF-style: chr18-2931348-G-A.
Other names: c.1362C>T, p.Ser454= (NM_001375809.1, NM_014646.2).
Identifiers: ClinVar variation 618707 (VCV000618707.17), dbSNP rs371484024, ClinGen allele CA8873124.